The following is an entry in ClinVar:

ClinVar aggregate classification (germline): Likely pathogenic (1 of 4 stars; one submission).

Submission:

Mayo Clinic Laboratories, Mayo Clinic
Classification: Likely pathogenic. Last evaluated: 2020-03-11. Review status: criteria provided, single submitter. Criteria: ACMG Guidelines, 2015. Collection method: clinical testing. Allele origin: germline. Observed: 1 variant allele.
Comment: PVS1, PM2

NM_000238.4(KCNH2):c.2146-1G>A

Gene: KCNH2 (potassium voltage-gated channel subfamily H member 2; minus strand). Cytogenetic location: 7q36.1.
Variant type: single nucleotide variant.
Coding change: c.2146-1G>A on transcript NM_000238.4 (MANE Select); the canonical splice acceptor site of the intron before coding-DNA position 2146, G replaced by A.
Molecular consequence: splice acceptor variant.
Genome position (GRCh38, 1-based): chr7:150,950,421, C>T on the plus strand (G>A on the coding strand, the complement: KCNH2 is on the minus strand). VCF-style: chr7-150950421-C-T. GRCh37 (hg19) VCF-style: chr7-150647509-C-T.
Other names: c.1858-1G>A (NM_001406753.1, NM_001406756.1); c.1969-1G>A (NM_001406755.1); c.1846-1G>A (NM_001406757.1); c.1126-1G>A (NM_001204798.2, NM_172057.3); c.2146-1G>A (NM_172056.3).
Identifiers: ClinVar variation 1163877 (VCV001163877.7), dbSNP rs2116950992, ClinGen allele CA369856773.